The following is an entry in ClinVar:

ClinVar aggregate classification (germline): Pathogenic (1 of 4 stars; one submission).

Submission:

GeneDx
Classification: Pathogenic. Last evaluated: 2026-04-06. Review status: criteria provided, single submitter. Criteria: GeneDx Variant Classification Process June 2021. Collection method: clinical testing. Allele origin: germline.
Comment: Frameshift variant predicted to result in protein truncation or nonsense mediated decay in a gene for which loss of function is a known mechanism of disease; Has not been previously published as pathogenic or benign to our knowledge

NM_007187.5(WBP4):c.340_347del (p.Lys114fs)

Gene: WBP4 (WW domain binding protein 4; plus strand). Cytogenetic location: 13q14.11.
Variant type: Deletion.
Coding change: c.340_347del on transcript NM_007187.5 (MANE Select); coding-DNA positions 340 to 347, 8 bases deleted (AAAGAAAA; older notation c.340_347delAAAGAAAA).
Protein change: p.Lys114fs; shifts the reading frame from lysine 114.
Molecular consequence: frameshift variant.
Genome position (GRCh38, 1-based): chr13:41,068,638-41,068,645, AAAGAAAA deleted. VCF-style (leftmost placement, unchanged base first): chr13-41068637-GAAAGAAAA-G. GRCh37 (hg19) VCF-style: chr13-41642773-GAAAGAAAA-G.
Other names: short protein forms K114fs.
Identifiers: ClinVar variation 4537930 (VCV004537930.2).